The following is an entry in ClinVar:

ClinVar aggregate classification (germline): Likely pathogenic (1 of 4 stars; one submission).

Conditions:
Ichthyosis vulgaris. Also called: Dominant ichthyosis vulgaris; ICHTHYOSIS SIMPLEX. Identifiers: MedGen C0079584, MONDO:0024304, OMIM 146700.

Submission:

Pittsburgh Clinical Genomics Laboratory, University of Pittsburgh Medical Center
Classification: Likely pathogenic for Ichthyosis vulgaris. Last evaluated: 2023-08-17. Review status: criteria provided, single submitter. Criteria: ACMG Guidelines, 2015. Collection method: clinical testing. Allele origin: germline. Inheritance: Autosomal unknown. Affected: yes.
Comment: This sequence variant is a single nucleotide substitution (C>A) at coding nucleotide position 9033 in the FLG gene which changes the Tyr2687 codon to an early termition sigl. Due to sequence homology of several fillagrin repeat domains within the FLG gene, this variant was not able to be confirmed with Sanger confirmation; this variant might instead lie at chr1:152279301 (FLG:c.8061C>A). Either variant is expected to truncate the FLG-encoded profilaggrin protein, thereby disrupting C termil domain; loss of the C termil domain prevents processing profilaggrin into filaggrin monomers, generating a loss of function variant (PMID: 17417636, 22071473). This variant has not been previously reported in medical genetics databases or literature in individuals with FLG-related disease, to our knowledge. This variant is absent from the he gnomAD control population dataset (0/~105000 alleles). Given the available information, we consider this variant to be likely pathogenic. ACMG Criteria: BS4, PM2, PVS1

Literature cited by the submitters: PubMed 22071473; PubMed 17417636.

NM_002016.2(FLG):c.9033C>A (p.Tyr3011Ter)

Genes: FLG (filaggrin; minus strand), CCDST (cervical cancer associated DHX9 suppressive transcript; plus strand). Cytogenetic location: 1q21.3.
Variant type: single nucleotide variant.
Coding change: c.9033C>A on transcript NM_002016.2 (MANE Select); coding-DNA position 9033, C replaced by A.
Protein change: p.Tyr3011Ter; replaces tyrosine 3011 with a stop codon.
Molecular consequence: nonsense.
Genome position (GRCh38, 1-based): chr1:152,305,853, G>T on the plus strand (C>A on the coding strand, the complement: FLG is on the minus strand). VCF-style: chr1-152305853-G-T. GRCh37 (hg19) VCF-style: chr1-152278329-G-T.
Other names: short protein forms Y3011*.
Identifiers: ClinVar variation 3376254 (VCV003376254.1).